The following is an entry in ClinVar:

ClinVar aggregate classification (germline): Benign. Review status: criteria provided, multiple submitters, no conflicts (2 of 4 stars). 6 submissions from 6 submitters: Benign (5). 1 of the submissions does not count toward it. Last evaluated 2026-02-04.

Conditions:
DYNC2H1-related disorder. Also called: DYNC2H1-related condition; DYNC2H1-related disorders. Identifiers: MedGen CN378770.
Jeune thoracic dystrophy. Also called: Short-rib thoracic dysplasia; Jeune syndrome; Infantile thoracic dystrophy; Thoracic pelvic phalangeal dystrophy; Jeune's syndrome; Chondroectodermal dysplasia-like syndrome. Identifiers: Orphanet 474, MedGen C0265275, MONDO:0018770.
Asphyxiating thoracic dystrophy 3. Also called: Short rib polydactyly syndrome 2B; SHORT-RIB THORACIC DYSPLASIA 3 WITH OR WITHOUT POLYDACTYLY; POLYDACTYLY WITH NEONATAL CHONDRODYSTROPHY, TYPE I; SHORT-RIB THORACIC DYSPLASIA 3/6 WITH POLYDACTYLY, DIGENIC; Saldino-Noonan Syndrome. Identifiers: Orphanet 474, Orphanet 93269, Orphanet 93270, Orphanet 93271, MedGen C0036069, MONDO:0013127, OMIM 613091.

Allele frequency attached by ClinVar (database versions not stated): gnomAD exomes 0.00056 and 0.00143; ExAC 0.00188; gnomAD 0.00559 and 0.00599; TOPMed 0.00628; ESP Exome Variant Server 0.00644; 1000 Genomes Project 0.00719; 1000 Genomes Project 30x 0.00781.
gnomAD v4.1: 1,708 of 1,613,738 alleles (0.11%); highest among the groups gnomAD compares: African/African-American, 2%; 14 homozygotes.

Submissions (6):

Labcorp Genetics (formerly Invitae), Labcorp
Classification: Benign for Jeune thoracic dystrophy. Last evaluated: 2026-02-04. Review status: criteria provided, single submitter. Criteria: Invitae Variant Classification Sherloc (09022015). Collection method: clinical testing. Allele origin: germline.

ARUP Laboratories, Molecular Genetics and Genomics, ARUP Laboratories
Classification: Benign for Asphyxiating thoracic dystrophy 3. Last evaluated: 2020-05-21. Review status: criteria provided, single submitter. Criteria: ARUP Molecular Germline Variant Investigation Process. Collection method: clinical testing. Allele origin: germline.

Illumina Laboratory Services, Illumina
Classification: Benign for Asphyxiating thoracic dystrophy 3. Last evaluated: 2018-01-13. Review status: criteria provided, single submitter. Criteria: ICSL Variant Classification Criteria 13 December 2019. Collection method: clinical testing. Allele origin: germline.
Comment: This variant was observed in the ICSL laboratory as part of a predisposition screen in an ostensibly healthy population. It had not been previously curated by ICSL or reported in the Human Gene Mutation Database (HGMD: prior to June 1st, 2018), and was therefore a candidate for classification through an automated scoring system. Utilizing variant allele frequency, disease prevalence and penetrance estimates, and inheritance mode, an automated score was calculated to assess if this variant is too frequent to cause the disease. Based on the score and internal cut-off values, a variant classified as benign is not then subjected to further curation. The score for this variant resulted in a classification of benign for this disease.

GeneDx
Classification: Benign. Last evaluated: 2017-11-06. Review status: criteria provided, single submitter. Criteria: GeneDx Variant Classification (06012015). Collection method: clinical testing. Allele origin: germline. Affected: yes.
Comment: This variant is considered likely benign or benign based on one or more of the following criteria: it is a conservative change, it occurs at a poorly conserved position in the protein, it is predicted to be benign by multiple in silico algorithms, and/or has population frequency not consistent with disease.

Breakthrough Genomics
Classification: Benign. Review status: criteria provided, single submitter. Criteria: ACMG Guidelines, 2015. Collection method: not provided. Allele origin: germline. Inheritance: Autosomal recessive inheritance. Affected: yes.

PreventionGenetics, part of Exact Sciences
Classification: Benign for DYNC2H1-related condition. Last evaluated: 2019-03-08. Review status: no assertion criteria provided. Collection method: clinical testing. Allele origin: germline. Not counted in ClinVar's aggregate classification.
Comment: This variant is classified as benign based on ACMG/AMP sequence variant interpretation guidelines (Richards et al. 2015 PMID: 25741868, with internal and published modifications).

NM_001377.3(DYNC2H1):c.10966A>G (p.Met3656Val)

Gene: DYNC2H1 (dynein cytoplasmic 2 heavy chain 1; plus strand). Cytogenetic location: 11q22.3.
Variant type: single nucleotide variant.
Coding change: c.10966A>G on transcript NM_001377.3 (MANE Select); coding-DNA position 10966, A replaced by G.
Protein change: p.Met3656Val; replaces methionine 3656 with valine.
Molecular consequence: missense variant.
Genome position (GRCh38, 1-based): chr11:103,286,330, A>G. VCF-style: chr11-103286330-A-G. GRCh37 (hg19) VCF-style: chr11-103157059-A-G.
Other names: c.10987A>G, p.Met3663Val (NM_001080463.2); short protein forms M3663V, M3656V.
Identifiers: ClinVar variation 459275 (VCV000459275.24), dbSNP rs151156076, ClinGen allele CA6255127.